The following is an entry in ClinVar:

NM_020699.4(GATAD2B):c.479A>G (p.Glu160Gly)

Gene: GATAD2B (GATA zinc finger domain containing 2B; minus strand). Cytogenetic location: 1q21.3.
Variant type: single nucleotide variant.
Coding change: c.479A>G on transcript NM_020699.4 (MANE Select); coding-DNA position 479, A replaced by G.
Protein change: p.Glu160Gly; replaces glutamic acid 160 with glycine.
Molecular consequence: missense variant.
Genome position (GRCh38, 1-based): chr1:153,818,909, T>C on the plus strand (A>G on the coding strand, the complement: GATAD2B is on the minus strand). VCF-style: chr1-153818909-T-C. GRCh37 (hg19) VCF-style: chr1-153791385-T-C.
Other names: short protein forms E160G.
Identifiers: ClinVar variation 1936759 (VCV001936759.5), dbSNP rs201225262, ClinGen allele CA1120844.
Genomic context (GRCh38, chr1:153,818,909, plus strand): 5'-AGTCGGGCTTCTTCCAATCGTAGCTCATCCCTCAGCTGCTTGATAAGCTGCTGCCGCTCC[T>C]CAATGCCTTTCCCCTAAGGAAACAAGAAGACTTTCAGCTATGGCAGCAAGGTACCCAGAA-3'
Protein context (NP_065750.1, residues 150-170): NLEMFKGKGI[Glu160Gly]ERQQLIKQLR

ClinVar aggregate classification (germline): Uncertain significance (1 of 4 stars; one submission).

Allele frequency attached by ClinVar (database versions not stated): ExAC 0.00001; gnomAD 0.00001; TOPMed 0.00001; gnomAD exomes 0.00002; 1000 Genomes Project 30x 0.00016; 1000 Genomes Project 0.00020.
gnomAD v4.1: 25 of 1,610,888 alleles (0.0016%); highest among the groups gnomAD compares: Admixed American, 0.01%; no homozygotes.

Submission:

Labcorp Genetics (formerly Invitae), Labcorp
Classification: Uncertain significance. Last evaluated: 2025-09-27. Review status: criteria provided, single submitter. Criteria: Invitae Variant Classification Sherloc (09022015). Collection method: clinical testing. Allele origin: germline.
Comment: This sequence change replaces glutamic acid, which is acidic and polar, with glycine, which is neutral and non-polar, at codon 160 of the GATAD2B protein (p.Glu160Gly). This variant is present in population databases (rs201225262, gnomAD 0.006%). This variant has not been reported in the literature in individuals affected with GATAD2B-related conditions. ClinVar contains an entry for this variant (Variation ID: 1936759). Invitae Evidence Modeling of protein sequence and biophysical properties (such as structural, functional, and spatial information, amino acid conservation, physicochemical variation, residue mobility, and thermodynamic stability) indicates that this missense variant is expected to disrupt GATAD2B protein function with a positive predictive value of 80%. In summary, the available evidence is currently insufficient to determine the role of this variant in disease. Therefore, it has been classified as a Variant of Uncertain Significance.